The following is an entry in ClinVar:

ClinVar aggregate classification (germline): Uncertain significance (1 of 4 stars; one submission).

Allele frequency attached by ClinVar (database versions not stated): gnomAD exomes 0.00001; TOPMed 0.00002; ExAC 0.00004; gnomAD 0.00004.
gnomAD v4.1: 14 of 1,209,904 alleles (0.0012%); highest among the groups gnomAD compares: East Asian, 0.012%; no homozygotes.

Submission:

Women's Health and Genetics/Laboratory Corporation of America, LabCorp
Classification: Uncertain significance. Last evaluated: 2024-04-24. Review status: criteria provided, single submitter. Criteria: LabCorp Variant Classification Summary - May 2015. Collection method: clinical testing. Allele origin: germline.
Comment: Variant summary: NLGN3 c.2149C>T (p.Arg717Cys) results in a non-conservative amino acid change in the encoded protein sequence. Five of five in-silico tools predict a damaging effect of the variant on protein function. The variant allele was found at a frequency of 3.3e-05 in 179667 control chromosomes. The available data on variant occurrences in the general population are insufficient to allow any conclusion about variant significance. To our knowledge, no occurrence of c.2149C>T in individuals affected with Autism Susceptibility, X-Linked and no experimental evidence demonstrating its impact on protein function have been reported. No submitters have cited clinical-significance assessments for this variant to ClinVar. Based on the evidence outlined above, the variant was classified as uncertain significance.

NM_181303.2(NLGN3):c.2209C>T (p.Arg737Cys)

Gene: NLGN3 (neuroligin 3; plus strand). Cytogenetic location: Xq13.1.
Variant type: single nucleotide variant.
Coding change: c.2209C>T on transcript NM_181303.2 (MANE Select); coding-DNA position 2209, C replaced by T.
Protein change: p.Arg737Cys; replaces arginine 737 with cysteine.
Molecular consequence: missense variant.
Genome position (GRCh38, 1-based): chrX:71,169,759, C>T. VCF-style: chrX-71169759-C-T. GRCh37 (hg19) VCF-style: chrX-70389609-C-T.
Other names: c.2089C>T, p.Arg697Cys (NM_001166660.2); c.1798C>T, p.Arg600Cys (NM_001321276.2); c.2149C>T, p.Arg717Cys (NM_018977.4); short protein forms R600C, R697C, R717C, R737C.
Identifiers: ClinVar variation 3251726 (VCV003251726.1), dbSNP rs752937420.